The following is an entry in ClinVar:

NM_001037.5(SCN1B):c.455G>A (p.Arg152Lys)

Gene: SCN1B (sodium voltage-gated channel beta subunit 1; plus strand). Cytogenetic location: 19q13.11.
Variant type: single nucleotide variant.
Coding change: c.455G>A on transcript NM_001037.5 (MANE Select); coding-DNA position 455, G replaced by A.
Protein change: p.Arg152Lys; replaces arginine 152 with lysine.
Molecular consequence: missense variant.
Genome position (GRCh38, 1-based): chr19:35,039,123, G>A. VCF-style: chr19-35039123-G-A. GRCh37 (hg19) VCF-style: chr19-35530027-G-A.
Other names: c.356G>A, p.Arg119Lys (NM_001321605.2); short protein forms R152K, R119K.
Identifiers: ClinVar variation 1373419 (VCV001373419.6), dbSNP rs760072940, ClinGen allele CA405329905.

ClinVar aggregate classification (germline): Uncertain significance (1 of 4 stars; one submission).

Conditions:
Brugada syndrome 5 (BRGDA5). Identifiers: Orphanet 130, Orphanet 871, MedGen C2748541, MONDO:0013015, OMIM 612838.

Submission:

Labcorp Genetics (formerly Invitae), Labcorp
Classification: Uncertain significance for Brugada syndrome 5. Last evaluated: 2024-07-22. Review status: criteria provided, single submitter. Criteria: Invitae Variant Classification Sherloc (09022015). Collection method: clinical testing. Allele origin: germline.
Comment: The SCN1B gene has multiple clinically relevant transcripts. This variant occurs in alternate transcript NM_001037.5, and corresponds to NM_199037.3:c.*5025G>A in the primary transcript. This sequence change replaces arginine, which is basic and polar, with lysine, which is basic and polar, at codon 152 of the SCN1B protein (p.Arg152Lys). This variant is not present in population databases (gnomAD no frequency). This variant has not been reported in the literature in individuals affected with SCN1B-related conditions. Experimental studies and prediction algorithms are not available or were not evaluated, and the functional significance of this variant is currently unknown. In summary, the available evidence is currently insufficient to determine the role of this variant in disease. Therefore, it has been classified as a Variant of Uncertain Significance.